The following is an entry in ClinVar:

NM_024496.4(IRF2BPL):c.2044C>T (p.Gln682Ter)

Gene: IRF2BPL (interferon regulatory factor 2 binding protein like; minus strand). Cytogenetic location: 14q24.3.
Variant type: single nucleotide variant.
Coding change: c.2044C>T on transcript NM_024496.4 (MANE Select); coding-DNA position 2044, C replaced by T.
Protein change: p.Gln682Ter; replaces glutamine 682 with a stop codon.
Molecular consequence: nonsense.
Genome position (GRCh38, 1-based): chr14:77,025,749, G>A on the plus strand (C>T on the coding strand, the complement: IRF2BPL is on the minus strand). VCF-style: chr14-77025749-G-A. GRCh37 (hg19) VCF-style: chr14-77492092-G-A.
Other names: short protein forms Q682*.
Identifiers: ClinVar variation 1803488 (VCV001803488.4), dbSNP rs2503074542, ClinGen allele CA390488167.
Genomic context (GRCh38, chr14:77,025,749, plus strand): 5'-TGTTTTGGGGGTGCACTTGGTCCATGCCCGGGTGGGCGCTAGGCGGCGGGGGCGCCACCT[G>A]TAAATTCAGGTCCCCGTTACGTGATGCCAAGCGGCGCTGCCCCGGCACGGAGGCCGGCGA-3'

ClinVar aggregate classification (germline): Pathogenic. Review status: criteria provided, multiple submitters, no conflicts (2 of 4 stars). 2 submissions from 2 submitters: Pathogenic (2). Last evaluated 2026-06-16.

Conditions:
Neurodevelopmental disorder with regression, abnormal movements, loss of speech, and seizures. Identifiers: Orphanet 597623, MedGen C4748127, MONDO:0060759, OMIM 618088.

Allele frequency attached by ClinVar (database versions not stated): gnomAD exomes below 0.00001.
gnomAD v4.1: 1 of 1,593,898 alleles (0.000063%); highest among the groups gnomAD compares: Non-Finnish European, 0.000086%; no homozygotes.

Submissions (2):

GeneDx
Classification: Pathogenic. Last evaluated: 2026-06-16. Review status: criteria provided, single submitter. Criteria: GeneDx Variant Classification Process June 2021. Collection method: clinical testing. Allele origin: germline.
Comment: Nonsense variant in the C-terminus predicted to result in protein truncation, as the last 115 amino acids are lost, and other loss-of-function variants have been reported downstream in HGMD; Not observed at significant frequency in large population cohorts (gnomAD); Has not been previously published as pathogenic or benign to our knowledge

Victorian Clinical Genetics Services, Murdoch Childrens Research Institute
Classification: Pathogenic for Neurodevelopmental disorder with regression, abnormal movements, loss of speech, and seizures. Last evaluated: 2025-07-23. Review status: criteria provided, single submitter. Criteria: ACMG Guidelines, 2015. Collection method: clinical testing. Allele origin: germline. Affected: yes.
Comment: This variant is classified as Pathogenic. Evidence in support of pathogenic classification: Variant is predicted to result in a truncated protein (premature termination codon is NOT located at least 54 nucleotides upstream of the final exon-exon junction) with less than 1/3 of the protein sequence affected; Variant is present in gnomAD <0.001 for a dominant condition (v4: 1 heterozygote(s), 0 homozygote(s)); This variant has limited previous evidence of pathogenicity in an unrelated individual(s). This variant has been classified as pathogenic by a clinical laboratory in ClinVar; Other truncating variant(s) comparable to the one identified in this case have very strong previous evidence for pathogenicity (DECIPHER); Additional information: This variant is heterozygous; This gene is associated with autosomal dominant disease; No published evidence of segregation with disease has been identified for this variant; No published functional evidence has been identified for this variant; Loss of function is a known mechanism of disease in this gene and is associated with neurodevelopmental disorder with regression, abnormal movements, loss of speech, and seizures (MIM#618088).